The following is an entry in ClinVar:

ClinVar aggregate classification (germline): Likely benign. Review status: reviewed by expert panel (3 of 4 stars). 2 submissions from 2 submitters: Likely benign (1). 1 of the submissions does not count toward it. Last evaluated 2017-06-29.

Conditions:
Hereditary cancer-predisposing syndrome. Also called: Hereditary Cancer Syndrome; Neoplastic Syndromes, Hereditary; Tumor predisposition; Hereditary neoplastic syndrome. Identifiers: Orphanet 140162, MedGen C0027672, MeSH D009386, MONDO:0015356.
Breast-ovarian cancer, familial, susceptibility to, 2 (BROVCA2). Also called: BRCA2 Hereditary Breast and Ovarian Cancer. Identifiers: Orphanet 145, MedGen C2675520, MONDO:0012933, OMIM 612555. Disease mechanism: loss of function.

Allele frequency attached by ClinVar (database versions not stated): gnomAD 0.00003.

Submissions (2):

Evidence-based Network for the Interpretation of Germline Mutant Alleles (ENIGMA)
Classification: Likely benign for Breast-ovarian cancer, familial, susceptibility to, 2. Last evaluated: 2017-06-29. Review status: reviewed by expert panel. Criteria: ENIGMA BRCA1/2 Classification Criteria (2017-06-29). Collection method: curation. Allele origin: germline.
Comment: Synonymous substitution variant, with low bioinformatic likelihood to result in a splicing aberration (Splicing prior probability 0.02).

Ambry Genetics
Classification: Likely benign for Hereditary cancer-predisposing syndrome. Last evaluated: 2015-01-06. Review status: criteria provided, single submitter. Criteria: Ambry Variant Classification Scheme 2023. Collection method: clinical testing. Allele origin: germline. Not counted in ClinVar's aggregate classification.

NM_000059.4(BRCA2):c.8286T>G (p.Pro2762=)

Gene: BRCA2 (BRCA2 DNA repair associated; plus strand). Cytogenetic location: 13q13.1.
Variant type: single nucleotide variant.
Coding change: c.8286T>G on transcript NM_000059.4 (MANE Select); coding-DNA position 8286, T replaced by G.
Protein change: p.Pro2762=; no amino-acid change (proline 2762 retained).
Molecular consequence: synonymous variant.
Genome position (GRCh38, 1-based): chr13:32,363,488, T>G. VCF-style: chr13-32363488-T-G. GRCh37 (hg19) VCF-style: chr13-32937625-T-G.
Identifiers: ClinVar variation 229936 (VCV000229936.7), dbSNP rs876658282, ClinGen allele CA10579774.